The following is an entry in ClinVar:

NM_003482.4(KMT2D):c.9490C>T (p.Arg3164Trp)

Gene: KMT2D (lysine methyltransferase 2D; minus strand). Cytogenetic location: 12q13.12.
Variant type: single nucleotide variant.
Coding change: c.9490C>T on transcript NM_003482.4 (MANE Select); coding-DNA position 9490, C replaced by T.
Protein change: p.Arg3164Trp; replaces arginine 3164 with tryptophan.
Molecular consequence: missense variant.
Genome position (GRCh38, 1-based): chr12:49,037,866, G>A on the plus strand (C>T on the coding strand, the complement: KMT2D is on the minus strand). VCF-style: chr12-49037866-G-A. GRCh37 (hg19) VCF-style: chr12-49431649-G-A.
Other names: short protein forms R3164W.
Identifiers: ClinVar variation 1803229 (VCV001803229.10), dbSNP rs772446794, ClinGen allele CA6546686.
Genomic context (GRCh38, chr12:49,037,866, plus strand): 5'-AGGCCTTCTCAGCTGTGTGCCCACTGCTAGAAAATGGCCCTGTGCCCATCCGGGTATCCC[G>A]GCTGCCCATCATGCTCTGTCCTGGCTTTAGCCCCAGGCCAAGGGAATTGGCAGCAGGTGC-3'
Protein context (NP_003473.3, residues 3154-3174): LKPGQSMMGS[Arg3164Trp]DTRMGTGPFS

ClinVar aggregate classification (germline): Conflicting classifications of pathogenicity. Review status: criteria provided, conflicting classifications (1 of 4 stars). 4 submissions from 4 submitters: Uncertain significance (3); Benign (1). Last evaluated 2024-02-04.

Conditions:
Kabuki syndrome 1 (KABUK1). Also called: KMT2D-Related Kabuki Syndrome. Identifiers: Orphanet 2322, MedGen CN030661, MONDO:0007843, OMIM 147920.
Choanal atresia-athelia-hypothyroidism-delayed puberty-short stature syndrome (BCAHH). Also called: BRANCHIAL ARCH ABNORMALITIES, CHOANAL ATRESIA, ATHELIA, HEARING LOSS, AND HYPOTHYROIDISM SYNDROME. Identifiers: Orphanet 589856, MedGen C5680310, MONDO:0035651, OMIM 620186.
KMT2D-related disorder. Also called: KMT2D-Related Disorders.
Kabuki syndrome. Also called: NIIKAWA-KUROKI SYNDROME; Kabuki make-up syndrome. Identifiers: Orphanet 2322, MedGen C0796004, MONDO:0016512.

Allele frequency attached by ClinVar (database versions not stated): TOPMed below 0.00001; gnomAD 0.00001; gnomAD exomes 0.00002; ExAC 0.00005.
gnomAD v4.1: 23 of 1,596,480 alleles (0.0014%); highest among the groups gnomAD compares: Non-Finnish European, 0.002%; no homozygotes.

Submissions (4):

Fulgent Genetics
Classification: Uncertain significance for Kabuki syndrome 1; Choanal atresia-athelia-hypothyroidism-delayed puberty-short stature syndrome. Last evaluated: 2024-02-04. Review status: criteria provided, single submitter. Criteria: ACMG Guidelines, 2015. Collection method: clinical testing. Allele origin: germline.

Labcorp Genetics (formerly Invitae), Labcorp
Classification: Benign for Kabuki syndrome. Last evaluated: 2023-11-13. Review status: criteria provided, single submitter. Criteria: Invitae Variant Classification Sherloc (09022015). Collection method: clinical testing. Allele origin: germline.

PreventionGenetics, part of Exact Sciences
Classification: Uncertain significance for KMT2D-related condition. Last evaluated: 2023-05-22. Review status: criteria provided, single submitter. Criteria: ACMG Guidelines, 2015. Collection method: clinical testing. Allele origin: germline.
Comment: The KMT2D c.9490C>T variant is predicted to result in the amino acid substitution p.Arg3164Trp. To our knowledge, this variant has not been reported in the literature. This variant is reported in 0.012% of alleles in individuals of East Asian descent in gnomAD. At this time, the clinical significance of this variant is uncertain due to the absence of conclusive functional and genetic evidence.

Genetics and Molecular Pathology, SA Pathology
Classification: Uncertain significance for Kabuki syndrome 1. Last evaluated: 2020-03-05. Review status: criteria provided, single submitter. Criteria: ACMG Guidelines, 2015. Collection method: clinical testing. Allele origin: germline. Inheritance: Autosomal dominant inheritance. Affected: yes.